The following is an entry in ClinVar:

NM_001367624.2(ZNF469):c.3300G>A (p.Glu1100=)

Gene: ZNF469 (zinc finger protein 469; plus strand). Cytogenetic location: 16q24.2.
Variant type: single nucleotide variant.
Coding change: c.3300G>A on transcript NM_001367624.2 (MANE Select); coding-DNA position 3300, G replaced by A.
Protein change: p.Glu1100=; no amino-acid change (glutamic acid 1100 retained).
Molecular consequence: synonymous variant.
Genome position (GRCh38, 1-based): chr16:88,430,770, G>A. VCF-style: chr16-88430770-G-A. GRCh37 (hg19) VCF-style: chr16-88497178-G-A.
Other names: NM_001127464.1:c.3216G>A; NM_001127464.2:c.3216G>A.
Identifiers: ClinVar variation 1223860 (VCV001223860.15), dbSNP rs760454346, ClinGen allele CA286374733.
Genomic context (GRCh38, chr16:88,430,770, plus strand): 5'-CCGGCCCGGAGCTGAGGACCGCAGGCTCCGCGAGTACGACTTCGCCTCGGAGTCCGAGGA[G>A]GACGAGCAGCCTCCGCCGCGGGGCCCCGGCTTCAGAGGCCGGCGGGGCCGAGGCGAGAAG-3'
Protein context (NP_001354553.1, residues 1090-1110): REYDFASESE[Glu1100=]DEQPPPRGPG

ClinVar aggregate classification (germline): Likely benign. Review status: criteria provided, multiple submitters, no conflicts (2 of 4 stars). 5 submissions from 5 submitters: Likely benign (5). Last evaluated 2026-05-06.

Conditions:
ZNF469-related disorder. Also called: ZNF469-related condition.
Cardiovascular phenotype. Identifiers: MedGen CN230736.

Allele frequency attached by ClinVar (database versions not stated): gnomAD exomes 0.00004.
gnomAD v4.1: 275 of 1,522,962 alleles (0.018%); highest among the groups gnomAD compares: Non-Finnish European, 0.024%; no homozygotes.

Submissions (5):

Women's Health and Genetics/Laboratory Corporation of America, LabCorp
Classification: Likely benign. Last evaluated: 2026-05-06. Review status: criteria provided, single submitter. Criteria: LabCorp Variant Classification Summary - May 2015. Collection method: clinical testing. Allele origin: germline.

Labcorp Genetics (formerly Invitae), Labcorp
Classification: Likely benign. Last evaluated: 2025-12-08. Review status: criteria provided, single submitter. Criteria: Invitae Variant Classification Sherloc (09022015). Collection method: clinical testing. Allele origin: germline.

PreventionGenetics, part of Exact Sciences
Classification: Likely benign for ZNF469-related condition. Last evaluated: 2025-01-07. Review status: criteria provided, single submitter. Criteria: ACMG Guidelines, 2015. Collection method: clinical testing. Allele origin: germline.
Comment: This variant is classified as likely benign based on ACMG/AMP sequence variant interpretation guidelines (Richards et al. 2015 PMID: 25741868, with internal and published modifications).

Ambry Genetics
Classification: Likely benign for Cardiovascular phenotype. Last evaluated: 2022-07-06. Review status: criteria provided, single submitter. Criteria: Ambry Variant Classification Scheme 2023. Collection method: clinical testing. Allele origin: germline.

GeneDx
Classification: Likely benign. Last evaluated: 2021-06-07. Review status: criteria provided, single submitter. Criteria: GeneDx Variant Classification Process June 2021. Collection method: clinical testing. Allele origin: germline. Affected: yes.